The following is an entry in ClinVar:

ClinVar aggregate classification (germline): Uncertain significance (1 of 4 stars; one submission).

Conditions:
Mucopolysaccharidosis, MPS-III-B (MPS3B). Also called: N-ACETYL-ALPHA-D-GLUCOSAMINIDASE DEFICIENCY; NAGLU DEFICIENCY; SANFILIPPO SYNDROME B; MPS III B; MPS IIIB (Sanfilippo Syndrome Type B); MUCOPOLYSACCHARIDOSIS, TYPE IIIB. Identifiers: Orphanet 79270, MedGen C0086648, MONDO:0009656, OMIM 252920.
Charcot-Marie-Tooth disease axonal type 2V. Also called: CHARCOT-MARIE-TOOTH NEUROPATHY, TYPE 2V; CHARCOT-MARIE-TOOTH DISEASE, AXONAL, AUTOSOMAL DOMINANT, TYPE 2V. Identifiers: Orphanet 447964, MedGen C5569050, MONDO:0014665, OMIM 616491.

Submission:

Labcorp Genetics (formerly Invitae), Labcorp
Classification: Uncertain significance for Charcot-Marie-Tooth disease axonal type 2V; Mucopolysaccharidosis, MPS-III-B. Last evaluated: 2025-02-03. Review status: criteria provided, single submitter. Criteria: Invitae Variant Classification Sherloc (09022015). Collection method: clinical testing. Allele origin: germline.
Comment: This sequence change replaces alanine, which is neutral and non-polar, with glycine, which is neutral and non-polar, at codon 395 of the NAGLU protein (p.Ala395Gly). This variant is not present in population databases (gnomAD no frequency). This variant has not been reported in the literature in individuals affected with NAGLU-related conditions. ClinVar contains an entry for this variant (Variation ID: 1489971). Invitae Evidence Modeling of protein sequence and biophysical properties (such as structural, functional, and spatial information, amino acid conservation, physicochemical variation, residue mobility, and thermodynamic stability) indicates that this missense variant is not expected to disrupt NAGLU protein function with a negative predictive value of 95%. In summary, the available evidence is currently insufficient to determine the role of this variant in disease. Therefore, it has been classified as a Variant of Uncertain Significance.

NM_000263.4(NAGLU):c.1184C>G (p.Ala395Gly)

Gene: NAGLU (N-acetyl-alpha-glucosaminidase; plus strand). Cytogenetic location: 17q21.2.
Variant type: single nucleotide variant.
Coding change: c.1184C>G on transcript NM_000263.4 (MANE Select); coding-DNA position 1184, C replaced by G.
Protein change: p.Ala395Gly; replaces alanine 395 with glycine.
Molecular consequence: missense variant.
Genome position (GRCh38, 1-based): chr17:42,543,190, C>G. VCF-style: chr17-42543190-C-G. GRCh37 (hg19) VCF-style: chr17-40695208-C-G.
Other names: short protein forms A395G.
Identifiers: ClinVar variation 1489971 (VCV001489971.8), dbSNP rs1599260536, ClinGen allele CA399601344.
Genomic context (GRCh38, chr17:42,543,190, plus strand): 5'-GTGGCCGCCTCCTGGTTCTGGACCTGTTTGCTGAGAGCCAGCCTGTGTATACCCGCACTG[C>G]CTCCTTCCAGGGCCAGCCCTTCATCTGGTGCATGCTGCACAACTTTGGGGGAAACCATGG-3'
Protein context (NP_000254.2, residues 385-405): AESQPVYTRT[Ala395Gly]SFQGQPFIWC